The following is an entry in ClinVar:

ClinVar aggregate classification (germline): Uncertain significance (1 of 4 stars; one submission).

Submission:

GeneDx
Classification: Uncertain significance. Last evaluated: 2024-08-07. Review status: criteria provided, single submitter. Criteria: GeneDx Variant Classification Process June 2021. Collection method: clinical testing. Allele origin: germline. Affected: yes.
Comment: Not observed at significant frequency in large population cohorts (gnomAD); In silico analysis supports that this missense variant has a deleterious effect on protein structure/function; Has not been previously published as pathogenic or benign to our knowledge

NM_007118.4(TRIO):c.7761C>G (p.Asn2587Lys)

Gene: TRIO (trio Rho guanine nucleotide exchange factor; plus strand). Cytogenetic location: 5p15.2.
Variant type: single nucleotide variant.
Coding change: c.7761C>G on transcript NM_007118.4 (MANE Select); coding-DNA position 7761, C replaced by G.
Protein change: p.Asn2587Lys; replaces asparagine 2587 with lysine.
Molecular consequence: missense variant. On other transcripts: non-coding transcript variant (1).
Genome position (GRCh38, 1-based): chr5:14,492,695, C>G. VCF-style: chr5-14492695-C-G. GRCh37 (hg19) VCF-style: chr5-14492804-C-G.
Other names: short protein forms N2587K.
Identifiers: ClinVar variation 3603120 (VCV003603120.1).